The following is an entry in ClinVar:

ClinVar aggregate classification (germline): Uncertain significance (1 of 4 stars; one submission).

Submission:

Ambry Genetics
Classification: Uncertain significance. Last evaluated: 2025-03-17. Review status: criteria provided, single submitter. Criteria: Ambry Variant Classification Scheme 2023. Collection method: clinical testing. Allele origin: germline.
Comment: The p.D160N variant (also known as c.478G>A), located in coding exon 1 of the CDK12 gene, results from a G to A substitution at nucleotide position 478. The aspartic acid at codon 160 is replaced by asparagine, an amino acid with highly similar properties. This amino acid position is conserved. In addition, this alteration is predicted to be tolerated by in silico analysis. Based on the available evidence, the clinical significance of this variant remains unclear.

NM_016507.4(CDK12):c.478G>A (p.Asp160Asn)

Genes: CDK12 (cyclin dependent kinase 12; plus strand), LOC126862553 (CDK7 strongly-dependent group 2 enhancer GRCh37_chr17:37618166-37619365; plus strand). Cytogenetic location: 17q12.
Variant type: single nucleotide variant.
Coding change: c.478G>A on transcript NM_016507.4 (MANE Select); coding-DNA position 478, G replaced by A.
Protein change: p.Asp160Asn; replaces aspartic acid 160 with asparagine.
Molecular consequence: missense variant.
Genome position (GRCh38, 1-based): chr17:39,462,549, G>A. VCF-style: chr17-39462549-G-A. GRCh37 (hg19) VCF-style: chr17-37618802-G-A.
Other names: c.478G>A, p.Asp160Asn (NM_015083.4); short protein forms D160N.
Identifiers: ClinVar variation 3999230 (VCV003999230.1).